The following is an entry in ClinVar:

ClinVar aggregate classification (germline): Uncertain significance (1 of 4 stars; one submission).

Allele frequency attached by ClinVar (database versions not stated): gnomAD 0.00003.

Submission:

Labcorp Genetics (formerly Invitae), Labcorp
Classification: Uncertain significance. Last evaluated: 2023-02-17. Review status: criteria provided, single submitter. Criteria: Invitae Variant Classification Sherloc (09022015). Collection method: clinical testing. Allele origin: germline.
Comment: In summary, the available evidence is currently insufficient to determine the role of this variant in disease. Therefore, it has been classified as a Variant of Uncertain Significance. Algorithms developed to predict the effect of missense changes on protein structure and function output the following: SIFT: "Not Available"; PolyPhen-2: "Not Available"; Align-GVGD: "Not Available". The leucine amino acid residue is found in multiple mammalian species, which suggests that this missense change does not adversely affect protein function. This variant has not been reported in the literature in individuals affected with PCLO-related conditions. The frequency data for this variant in the population databases is considered unreliable, as metrics indicate poor data quality at this position in the gnomAD database. This sequence change replaces proline, which is neutral and non-polar, with leucine, which is neutral and non-polar, at codon 2418 of the PCLO protein (p.Pro2418Leu).

NM_033026.6(PCLO):c.7253C>T (p.Pro2418Leu)

Gene: PCLO (piccolo presynaptic cytomatrix protein; minus strand). Cytogenetic location: 7q21.11.
Variant type: single nucleotide variant.
Coding change: c.7253C>T on transcript NM_033026.6 (MANE Select); coding-DNA position 7253, C replaced by T.
Protein change: p.Pro2418Leu; replaces proline 2418 with leucine.
Molecular consequence: missense variant.
Genome position (GRCh38, 1-based): chr7:82,953,700, G>A on the plus strand (C>T on the coding strand, the complement: PCLO is on the minus strand). VCF-style: chr7-82953700-G-A. GRCh37 (hg19) VCF-style: chr7-82583016-G-A.
Other names: c.7253C>T, p.Pro2418Leu (NM_014510.3); short protein forms P2418L.
Identifiers: ClinVar variation 2871257 (VCV002871257.3), dbSNP rs1417366733, ClinGen allele CA367917374.
Genomic context (GRCh38, chr7:82,953,700, plus strand): 5'-AGAATAGTTGGTTTAGGTGAAGTTGGTGGAGGAAGTGGTGGGGGAGGAGGGGGTGGTGGT[G>A]GAGGAGGAGGAGGAGGGGGAGGGGGAGGAGGGGGAGGAGGTTGAGCTGATATATCCAAAG-3'
Protein context (NP_149015.2, residues 2408-2428): PPPPPPPPPP[Pro2418Leu]PPPPPPPPLP